The following continues an entry in ClinVar:

NM_000059.4(BRCA2):c.2095C>T (p.Gln699Ter)

Gene: BRCA2. ClinVar aggregate classification (germline): Pathogenic. Pathogenic (1).

Submissions 10 to 15 of 15:

Consortium of Investigators of Modifiers of BRCA1/2 (CIMBA), c/o University of Cambridge
Classification: Pathogenic for Breast-ovarian cancer, familial, susceptibility to, 2. Last evaluated: 2015-10-02. Review status: criteria provided, single submitter. Criteria: CIMBA Mutation Classification guidelines May 2016. Collection method: clinical testing. Allele origin: germline. Not counted in ClinVar's aggregate classification.

Yang An-Suei Laboratory, Academia Sinica
Classification: Pathogenic for breast cancer. Review status: criteria provided, single submitter. Criteria: Submitter's publication. Collection method: clinical testing. Allele origin: germline. Affected: yes. Not counted in ClinVar's aggregate classification.

BRCAlab, Lund University
Classification: Pathogenic for Breast-ovarian cancer, familial, susceptibility to, 2. Last evaluated: 2022-08-26. Review status: no assertion criteria provided. Collection method: clinical testing. Allele origin: germline. Affected: yes. Not counted in ClinVar's aggregate classification.

Molecular Oncology, Hospital Universitario Central de Asturias (HUCA)
Classification: Pathogenic for Breast-ovarian cancer, familial, susceptibility to, 2. Last evaluated: 2021-05-24. Review status: no assertion criteria provided. Collection method: case-control. Allele origin: germline. Affected: yes. Not counted in ClinVar's aggregate classification.

Center of Medical Genetics and Primary Health Care
Classification: Pathogenic for Breast-ovarian cancer, familial 2. Last evaluated: 2020-04-08. Review status: no assertion criteria provided. Collection method: research. Allele origin: germline. Affected: yes. Observed: 1 heterozygote. Not counted in ClinVar's aggregate classification.
Comment: ACMG Guidelines 2015 criteria The BRCA2 variant p.Gln699Ter is a known pathogenic variant in exon 11 in a non-functional domain. This nonsense variant truncates the protein and thus makes in non-functional which is an established disease mechanism in hereditary breast and ovarian cancer (PVS1 Pathogenic Very Strong). This variant was observed in a mutation hotspot region of 14 pathogenic variants (source, ClinVar) (PM1 Pathogenic Moderate). This variant is not found in GnomAD exomes neither in GnomAD genomes (PM2 Pathogenic Moderate). The variant has been classified as pathogenic by the ClinGen-approved ENIGMA expert panel (ClinVar SCV000324047.1) (PP5 Pathogenic Supporting). Therefore, this variant was classified as a Pathogenic.

Department of Pathology and Laboratory Medicine, Sinai Health System
Classification: Uncertain significance. Review status: no assertion criteria provided. Collection method: clinical testing. Allele origin: unknown. Affected: yes. Observed: 1 variant allele. Study: The Canadian Open Genetics Repository (COGR). Not counted in ClinVar's aggregate classification.

Literature cited by the submitters: PubMed 20104584 (cited by Labcorp Genetics (formerly Invitae), Labcorp); PubMed 23683081 (cited by 5 submitters); PubMed 29566657 (cited by 3 submitters); PubMed 29446198 (cited by 3 submitters); PubMed 31742824 (cited by Quest Diagnostics Nichols Institute San Juan Capistrano and Ambry Genetics); PubMed 33471991 (cited by Quest Diagnostics Nichols Institute San Juan Capistrano); PubMed 28477318 (cited by Quest Diagnostics Nichols Institute San Juan Capistrano and All of Us Research Program, National Institutes of Health); PubMed 33726785 (cited by 3 submitters); PubMed 33558524 (cited by 3 submitters); PubMed 31921681 (cited by Quest Diagnostics Nichols Institute San Juan Capistrano and All of Us Research Program, National Institutes of Health); PubMed 32566972 (cited by Quest Diagnostics Nichols Institute San Juan Capistrano and All of Us Research Program, National Institutes of Health); PubMed 38922859 (cited by Quest Diagnostics Nichols Institute San Juan Capistrano and Molecular Oncology, Hospital Universitario Central de Asturias (HUCA)); PubMed 8988179 (cited by All of Us Research Program, National Institutes of Health); PubMed 11897832 (cited by All of Us Research Program, National Institutes of Health).